The following is an entry in ClinVar:

ClinVar aggregate classification (germline): Pathogenic/Likely pathogenic. Review status: criteria provided, multiple submitters, no conflicts (2 of 4 stars). 2 submissions from 2 submitters: Pathogenic (1); Likely pathogenic (1). Last evaluated 2025-08-21.

Conditions:
Mandibulofacial dysostosis-microcephaly syndrome (MFDGA). Also called: Growth and mental retardation, mandibulofacial dysostosis, microcephaly, and cleft palate; Mandibulofacial dysostosis, Guion-Almeida type. Identifiers: Orphanet 79113, MedGen C1864652, MONDO:0012516, OMIM 610536.

Submissions (2):

Labcorp Genetics (formerly Invitae), Labcorp
Classification: Pathogenic. Last evaluated: 2025-08-21. Review status: criteria provided, single submitter. Criteria: Invitae Variant Classification Sherloc (09022015). Collection method: clinical testing. Allele origin: germline.
Comment: This sequence change replaces asparagine, which is neutral and polar, with serine, which is neutral and polar, at codon 286 of the EFTUD2 protein (p.Asn286Ser). This variant is not present in population databases (gnomAD no frequency). This missense change has been observed in individual(s) with clinical features of EFTUD2-related conditions (internal data). In at least one individual the variant was observed to be de novo. ClinVar contains an entry for this variant (Variation ID: 1485726). Invitae Evidence Modeling of protein sequence and biophysical properties (such as structural, functional, and spatial information, amino acid conservation, physicochemical variation, residue mobility, and thermodynamic stability) indicates that this missense variant is expected to disrupt EFTUD2 protein function with a positive predictive value of 80%. Algorithms developed to predict the effect of sequence changes on RNA splicing suggest that this variant may disrupt the consensus splice site. For these reasons, this variant has been classified as Pathogenic.

Center of Human Genetics, Hôpital Erasme
Classification: Likely pathogenic for Mandibulofacial dysostosis-microcephaly syndrome. Last evaluated: 2025-01-01. Review status: criteria provided, single submitter. Criteria: ACMG Guidelines, 2015. Collection method: clinical testing. Allele origin: de novo. Affected: yes.

NM_004247.4(EFTUD2):c.857A>G (p.Asn286Ser)

Gene: EFTUD2 (elongation factor Tu GTP binding domain containing 2; minus strand). Cytogenetic location: 17q21.31.
Variant type: single nucleotide variant.
Coding change: c.857A>G on transcript NM_004247.4 (MANE Select); coding-DNA position 857, A replaced by G.
Protein change: p.Asn286Ser; replaces asparagine 286 with serine.
Molecular consequence: missense variant.
Genome position (GRCh38, 1-based): chr17:44,875,946, T>C on the plus strand (A>G on the coding strand, the complement: EFTUD2 is on the minus strand). VCF-style: chr17-44875946-T-C. GRCh37 (hg19) VCF-style: chr17-42953314-T-C.
Other names: c.752A>G, p.Asn251Ser (NM_001142605.2); c.857A>G, p.Asn286Ser (NM_001258353.2); c.827A>G, p.Asn276Ser (NM_001258354.2); short protein forms N251S, N286S, N276S.
Identifiers: ClinVar variation 1485726 (VCV001485726.9), dbSNP rs2145516424, ClinGen allele CA399819204.